The following is an entry in ClinVar:

ClinVar aggregate classification (germline): Pathogenic (1 of 4 stars; one submission).

Submission:

Labcorp Genetics (formerly Invitae), Labcorp
Classification: Pathogenic. Last evaluated: 2023-03-20. Review status: criteria provided, single submitter. Criteria: Invitae Variant Classification Sherloc (09022015). Collection method: clinical testing. Allele origin: germline.
Comment: This sequence change replaces tyrosine, which is neutral and polar, with serine, which is neutral and polar, at codon 1594 of the FLNB protein (p.Tyr1594Ser). This variant is not present in population databases (gnomAD no frequency). This missense change has been observed in individual(s) with Larsen syndrome (PMID: 22190451; Invitae). In at least one individual the variant was observed to be de novo. Advanced modeling of protein sequence and biophysical properties (such as structural, functional, and spatial information, amino acid conservation, physicochemical variation, residue mobility, and thermodynamic stability) performed at Invitae indicates that this missense variant is not expected to disrupt FLNB protein function. For these reasons, this variant has been classified as Pathogenic.

Literature cited by the submitters: PubMed 22190451.

NM_001457.4(FLNB):c.4781A>C (p.Tyr1594Ser)

Gene: FLNB (filamin B; plus strand). Cytogenetic location: 3p14.3.
Variant type: single nucleotide variant.
Coding change: c.4781A>C on transcript NM_001457.4 (MANE Select); coding-DNA position 4781, A replaced by C.
Protein change: p.Tyr1594Ser; replaces tyrosine 1594 with serine.
Molecular consequence: missense variant.
Genome position (GRCh38, 1-based): chr3:58,136,088, A>C. VCF-style: chr3-58136088-A-C. GRCh37 (hg19) VCF-style: chr3-58121815-A-C.
Other names: c.4874A>C, p.Tyr1625Ser (NM_001164317.2); c.4781A>C, p.Tyr1594Ser (NM_001164318.2, NM_001164319.2); short protein forms Y1625S, Y1594S.
Identifiers: ClinVar variation 2734542 (VCV002734542.3), dbSNP rs2097315347, ClinGen allele CA353352150.